The following is an entry in ClinVar:

ClinVar aggregate classification (germline): Uncertain significance. Review status: criteria provided, multiple submitters, no conflicts (2 of 4 stars). 2 submissions from 2 submitters: Uncertain significance (2). Last evaluated 2025-12-10.

Conditions:
Seizures, benign familial infantile, 3 (BFIS3). Also called: CONVULSIONS, BENIGN FAMILIAL INFANTILE, 3; Familial neonatal seizures. Identifiers: Orphanet 140927, Orphanet 306, MedGen C1843140, MONDO:0011904, OMIM 607745.
Developmental and epileptic encephalopathy, 11 (DEE11). Also called: Early infantile epileptic encephalopathy 11. Identifiers: Orphanet 1934, MedGen C3150987, MONDO:0013388, OMIM 613721.

Allele frequency attached by ClinVar (database versions not stated): gnomAD exomes below 0.00001; TOPMed below 0.00001.
gnomAD v4.1: 1 of 1,613,626 alleles (0.000062%); highest among the groups gnomAD compares: South Asian, 0.0011%; no homozygotes.

Submissions (2):

GeneDx
Classification: Uncertain significance. Last evaluated: 2025-12-10. Review status: criteria provided, single submitter. Criteria: GeneDx Variant Classification Process June 2021. Collection method: clinical testing. Allele origin: germline.
Comment: Not observed at significant frequency in large population cohorts (gnomAD); In silico analysis suggests that this missense variant does not alter protein structure/function; This substitution is predicted to be within the extracellular loop between the S5 and S6 transmembrane segments of the third homologous domain; Has not been previously published as pathogenic or benign to our knowledge

Labcorp Genetics (formerly Invitae), Labcorp
Classification: Uncertain significance for Seizures, benign familial infantile, 3; Developmental and epileptic encephalopathy, 11. Last evaluated: 2023-10-28. Review status: criteria provided, single submitter. Criteria: Invitae Variant Classification Sherloc (09022015). Collection method: clinical testing. Allele origin: germline.
Comment: This sequence change replaces isoleucine, which is neutral and non-polar, with valine, which is neutral and non-polar, at codon 1390 of the SCN2A protein (p.Ile1390Val). This variant is not present in population databases (gnomAD no frequency). This variant has not been reported in the literature in individuals affected with SCN2A-related conditions. Advanced modeling of protein sequence and biophysical properties (such as structural, functional, and spatial information, amino acid conservation, physicochemical variation, residue mobility, and thermodynamic stability) performed at Invitae indicates that this missense variant is not expected to disrupt SCN2A protein function with a negative predictive value of 95%. In summary, the available evidence is currently insufficient to determine the role of this variant in disease. Therefore, it has been classified as a Variant of Uncertain Significance.

NM_001040142.2(SCN2A):c.4168A>G (p.Ile1390Val)

Gene: SCN2A (sodium voltage-gated channel alpha subunit 2; plus strand). Cytogenetic location: 2q24.3.
Variant type: single nucleotide variant.
Coding change: c.4168A>G on transcript NM_001040142.2 (MANE Select); coding-DNA position 4168, A replaced by G.
Protein change: p.Ile1390Val; replaces isoleucine 1390 with valine.
Molecular consequence: missense variant.
Genome position (GRCh38, 1-based): chr2:165,374,880, A>G. VCF-style: chr2-165374880-A-G. GRCh37 (hg19) VCF-style: chr2-166231390-A-G.
Other names: c.4168A>G, p.Ile1390Val (NM_001040143.2, NM_001371246.1, NM_001371247.1 and 1 more transcripts); c.4168A>G (NM_021007.2); short protein forms I1390V.
Identifiers: ClinVar variation 2935274 (VCV002935274.5), dbSNP rs937020848, ClinGen allele CA59741976.